The following is an entry in ClinVar:

ClinVar aggregate classification (germline): Uncertain significance (1 of 4 stars; one submission).

Allele frequency attached by ClinVar (database versions not stated): gnomAD 0.00009; TOPMed 0.00003; ExAC 0.00002; ESP Exome Variant Server 0.00017.

Submission:

Labcorp Genetics (formerly Invitae), Labcorp
Classification: Uncertain significance. Last evaluated: 2025-11-25. Review status: criteria provided, single submitter. Criteria: Invitae Variant Classification Sherloc (09022015). Collection method: clinical testing. Allele origin: germline.
Comment: This sequence change replaces aspartic acid, which is acidic and polar, with asparagine, which is neutral and polar, at codon 443 of the ZCCHC8 protein (p.Asp443Asn). This variant is present in population databases (rs376901092, gnomAD 0.03%). This variant has not been reported in the literature in individuals affected with ZCCHC8-related conditions. ClinVar contains an entry for this variant (Variation ID: 2909684). Invitae Evidence Modeling of protein sequence and biophysical properties (such as structural, functional, and spatial information, amino acid conservation, physicochemical variation, residue mobility, and thermodynamic stability) indicates that this missense variant is expected to disrupt ZCCHC8 protein function with a positive predictive value of 80%. In summary, the available evidence is currently insufficient to determine the role of this variant in disease. Therefore, it has been classified as a Variant of Uncertain Significance.

NM_017612.5(ZCCHC8):c.1327G>A (p.Asp443Asn)

Gene: ZCCHC8 (zinc finger CCHC-type containing 8; minus strand). Cytogenetic location: 12q24.31.
Variant type: single nucleotide variant.
Coding change: c.1327G>A on transcript NM_017612.5 (MANE Select); coding-DNA position 1327, G replaced by A.
Protein change: p.Asp443Asn; replaces aspartic acid 443 with asparagine.
Molecular consequence: missense variant.
Genome position (GRCh38, 1-based): chr12:122,477,859, C>T on the plus strand (G>A on the coding strand, the complement: ZCCHC8 is on the minus strand). VCF-style: chr12-122477859-C-T. GRCh37 (hg19) VCF-style: chr12-122962406-C-T.
Other names: c.1096G>A, p.Asp366Asn (NM_001350935.2); c.1030G>A, p.Asp344Asn (NM_001350936.2); c.613G>A, p.Asp205Asn (NM_001350937.2, NM_001350938.2); short protein forms D443N, D344N, D205N, D366N.
Identifiers: ClinVar variation 2909684 (VCV002909684.3), dbSNP rs376901092, ClinGen allele CA6846216.